The following is an entry in ClinVar:

ClinVar aggregate classification (germline): Uncertain significance. Review status: criteria provided, multiple submitters, no conflicts (2 of 4 stars). 2 submissions from 2 submitters: Uncertain significance (2). Last evaluated 2024-02-05.

Conditions:
Inborn genetic diseases. Identifiers: MedGen C0950123, MeSH D030342.

Allele frequency attached by ClinVar (database versions not stated): TOPMed 0.00003; ExAC 0.00002; gnomAD 0.00002; gnomAD exomes 0.00003.
gnomAD v4.1: 44 of 1,613,948 alleles (0.0027%); highest among the groups gnomAD compares: Non-Finnish European, 0.0035%; no homozygotes.

Submissions (2):

Labcorp Genetics (formerly Invitae), Labcorp
Classification: Uncertain significance. Last evaluated: 2024-02-05. Review status: criteria provided, single submitter. Criteria: Invitae Variant Classification Sherloc (09022015). Collection method: clinical testing. Allele origin: germline.
Comment: This sequence change replaces glutamic acid, which is acidic and polar, with glycine, which is neutral and non-polar, at codon 241 of the PHYH protein (p.Glu241Gly). This variant is present in population databases (rs764704942, gnomAD 0.006%). This variant has not been reported in the literature in individuals affected with PHYH-related conditions. ClinVar contains an entry for this variant (Variation ID: 1008750). Advanced modeling of protein sequence and biophysical properties (such as structural, functional, and spatial information, amino acid conservation, physicochemical variation, residue mobility, and thermodynamic stability) performed at Invitae indicates that this missense variant is not expected to disrupt PHYH protein function with a negative predictive value of 80%. In summary, the available evidence is currently insufficient to determine the role of this variant in disease. Therefore, it has been classified as a Variant of Uncertain Significance.

Ambry Genetics
Classification: Uncertain significance for Inborn genetic diseases. Last evaluated: 2022-10-05. Review status: criteria provided, single submitter. Criteria: Ambry Variant Classification Scheme 2023. Collection method: clinical testing. Allele origin: germline.

NM_006214.4(PHYH):c.722A>G (p.Glu241Gly)

Gene: PHYH (phytanoyl-CoA 2-hydroxylase; minus strand). Cytogenetic location: 10p13.
Variant type: single nucleotide variant.
Coding change: c.722A>G on transcript NM_006214.4 (MANE Select); coding-DNA position 722, A replaced by G.
Protein change: p.Glu241Gly; replaces glutamic acid 241 with glycine.
Molecular consequence: missense variant.
Genome position (GRCh38, 1-based): chr10:13,283,796, T>C on the plus strand (A>G on the coding strand, the complement: PHYH is on the minus strand). VCF-style: chr10-13283796-T-C. GRCh37 (hg19) VCF-style: chr10-13325796-T-C.
Other names: c.422A>G, p.Glu141Gly (NM_001037537.2, NM_001323080.2); c.728A>G, p.Glu243Gly (NM_001323082.2); c.458A>G, p.Glu153Gly (NM_001323083.2); c.428A>G, p.Glu143Gly (NM_001323084.2); c.722A>G (NM_006214.3); short protein forms E141G, E143G, E153G, E241G, E243G.
Identifiers: ClinVar variation 1008750 (VCV001008750.7), dbSNP rs764704942, ClinGen allele CA5412249.